The following is an entry in ClinVar:

ClinVar aggregate classification (germline): Uncertain significance. Review status: criteria provided, multiple submitters, no conflicts (2 of 4 stars). 2 submissions from 2 submitters: Uncertain significance (2). Last evaluated 2024-10-29.

Conditions:
Inborn genetic diseases. Identifiers: MedGen C0950123, MeSH D030342.

Allele frequency attached by ClinVar (database versions not stated): TOPMed 0.00004.
gnomAD v4.1: 71 of 1,303,036 alleles (0.0054%); highest among the groups gnomAD compares: Non-Finnish European, 0.0065%; no homozygotes.

Submissions (2):

Ambry Genetics
Classification: Uncertain significance for Inborn genetic diseases. Last evaluated: 2024-10-29. Review status: criteria provided, single submitter. Criteria: Ambry Variant Classification Scheme 2023. Collection method: clinical testing. Allele origin: germline.

Labcorp Genetics (formerly Invitae), Labcorp
Classification: Uncertain significance. Last evaluated: 2022-08-15. Review status: criteria provided, single submitter. Criteria: Invitae Variant Classification Sherloc (09022015). Collection method: clinical testing. Allele origin: germline.
Comment: This sequence change replaces glycine, which is neutral and non-polar, with serine, which is neutral and polar, at codon 59 of the NKX6-2 protein (p.Gly59Ser). In summary, the available evidence is currently insufficient to determine the role of this variant in disease. Therefore, it has been classified as a Variant of Uncertain Significance. Algorithms developed to predict the effect of sequence changes on RNA splicing suggest that this variant may create or strengthen a splice site. Algorithms developed to predict the effect of missense changes on protein structure and function are either unavailable or do not agree on the potential impact of this missense change (SIFT: "Deleterious"; PolyPhen-2: "Possibly Damaging"; Align-GVGD: "Class C0"). ClinVar contains an entry for this variant (Variation ID: 1514076). This variant has not been reported in the literature in individuals affected with NKX6-2-related conditions. This variant is present in population databases (no rsID available, gnomAD 0.02%).

NM_177400.3(NKX6-2):c.175G>A (p.Gly59Ser)

Gene: NKX6-2 (NK6 homeobox 2; minus strand). Cytogenetic location: 10q26.3.
Variant type: single nucleotide variant.
Coding change: c.175G>A on transcript NM_177400.3 (MANE Select); coding-DNA position 175, G replaced by A.
Protein change: p.Gly59Ser; replaces glycine 59 with serine.
Molecular consequence: missense variant.
Genome position (GRCh38, 1-based): chr10:132,785,774, C>T on the plus strand (G>A on the coding strand, the complement: NKX6-2 is on the minus strand). VCF-style: chr10-132785774-C-T. GRCh37 (hg19) VCF-style: chr10-134599278-C-T.
Other names: c.175G>A (NM_177400.2); short protein forms G59S.
Identifiers: ClinVar variation 1514076 (VCV001514076.7), dbSNP rs563679091, ClinGen allele CA216760366.